The following is an entry in ClinVar:

NM_024411.5(PDYN):c.547C>A (p.Pro183Thr)

Genes: PDYN (prodynorphin; minus strand), PDYN-AS1 (PDYN antisense RNA 1; plus strand). Cytogenetic location: 20p13.
Variant type: single nucleotide variant.
Coding change: c.547C>A on transcript NM_024411.5 (MANE Select); coding-DNA position 547, C replaced by A.
Protein change: p.Pro183Thr; replaces proline 183 with threonine.
Molecular consequence: missense variant.
Genome position (GRCh38, 1-based): chr20:1,980,541, G>T on the plus strand (C>A on the coding strand, the complement: PDYN is on the minus strand). VCF-style: chr20-1980541-G-T. GRCh37 (hg19) VCF-style: chr20-1961187-G-T.
Other names: c.547C>A, p.Pro183Thr (NM_001190892.1, NM_001190898.3, NM_001190899.2 and 1 more transcripts); short protein forms P183T.
Identifiers: ClinVar variation 2997730 (VCV002997730.3), dbSNP rs1987686544, ClinGen allele CA408002912.

ClinVar aggregate classification (germline): Uncertain significance (1 of 4 stars; one submission).

Allele frequency attached by ClinVar (database versions not stated): TOPMed below 0.00001.
gnomAD v4.1: 1 of 1,613,772 alleles (0.000062%); highest among the groups gnomAD compares: East Asian, 0.0022%; no homozygotes.

Submission:

Labcorp Genetics (formerly Invitae), Labcorp
Classification: Uncertain significance. Last evaluated: 2023-07-25. Review status: criteria provided, single submitter. Criteria: Invitae Variant Classification Sherloc (09022015). Collection method: clinical testing. Allele origin: germline.
Comment: In summary, the available evidence is currently insufficient to determine the role of this variant in disease. Therefore, it has been classified as a Variant of Uncertain Significance. An algorithm developed to predict the effect of missense changes on protein structure and function (PolyPhen-2) suggests that this variant is likely to be disruptive. This variant has not been reported in the literature in individuals affected with PDYN-related conditions. This variant is not present in population databases (gnomAD no frequency). This sequence change replaces proline, which is neutral and non-polar, with threonine, which is neutral and polar, at codon 183 of the PDYN protein (p.Pro183Thr).